The following is an entry in ClinVar:

ClinVar aggregate classification (germline): Pathogenic (1 of 4 stars; one submission).

Allele frequency attached by ClinVar (database versions not stated): gnomAD exomes below 0.00001.

Submission:

Labcorp Genetics (formerly Invitae), Labcorp
Classification: Pathogenic. Last evaluated: 2024-10-23. Review status: criteria provided, single submitter. Criteria: Invitae Variant Classification Sherloc (09022015). Collection method: clinical testing. Allele origin: germline.
Comment: This sequence change creates a premature translational stop signal (p.Tyr792*) in the TONSL gene. It is expected to result in an absent or disrupted protein product. Loss-of-function variants in TONSL are known to be pathogenic (PMID: 30773277). This variant is not present in population databases (gnomAD no frequency). This variant has not been reported in the literature in individuals affected with TONSL-related conditions. ClinVar contains an entry for this variant (Variation ID: 2116572). For these reasons, this variant has been classified as Pathogenic.

Literature cited by the submitters: PubMed 30773277.

NM_013432.5(TONSL):c.2374_2375insG (p.Tyr792Ter)

Genes: TONSL (tonsoku like, DNA repair protein; minus strand), TONSL-AS1 (TONSL antisense RNA 1; plus strand). Cytogenetic location: 8q24.3.
Variant type: Insertion.
Coding change: c.2374_2375insG on transcript NM_013432.5 (MANE Select); coding-DNA positions 2374 to 2375, G inserted.
Protein change: p.Tyr792Ter; replaces tyrosine 792 with a stop codon.
Molecular consequence: nonsense.
Genome position: GRCh38 VCF-style: chr8-144436058-T-TC. GRCh37 (hg19) VCF-style: chr8-145661441-T-TC.
Other names: short protein forms Y792*.
Identifiers: ClinVar variation 2116572 (VCV002116572.4), dbSNP rs2537488321, ClinGen allele CA2580078756.